The following is an entry in ClinVar:

NM_020066.5(FMN2):c.2940T>A (p.Pro980=)

Gene: FMN2 (formin 2; plus strand). Cytogenetic location: 1q43.
Variant type: single nucleotide variant.
Coding change: c.2940T>A on transcript NM_020066.5 (MANE Select); coding-DNA position 2940, T replaced by A.
Protein change: p.Pro980=; no amino-acid change (proline 980 retained).
Molecular consequence: synonymous variant. On other transcripts: intron variant (1).
Genome position (GRCh38, 1-based): chr1:240,207,752, T>A. VCF-style: chr1-240207752-T-A. GRCh37 (hg19) VCF-style: chr1-240371052-T-A.
Other names: c.2952T>A, p.Pro984= (NM_001305424.2); c.1986+19490T>A (NM_001348094.2).
Identifiers: ClinVar variation 2640144 (VCV002640144.24), dbSNP rs1247627887, ClinGen allele CA1476906.

ClinVar aggregate classification (germline): Likely benign (1 of 4 stars; one submission).

Allele frequency attached by ClinVar (database versions not stated): gnomAD 0.00002.

Submission:

CeGaT Center for Human Genetics Tuebingen
Classification: Likely benign. Last evaluated: 2025-02-01. Review status: criteria provided, single submitter. Criteria: CeGaT Center For Human Genetics Tuebingen Variant Classification Criteria Version 2. Collection method: clinical testing. Allele origin: germline. Affected: yes. Observed: 2 variant alleles.
Comment: FMN2: BP4, BP7